The following is an entry in ClinVar:

ClinVar aggregate classification (germline): Pathogenic. Review status: criteria provided, multiple submitters, no conflicts (2 of 4 stars). 5 submissions from 5 submitters: Pathogenic (5). Last evaluated 2025-09-24.

Conditions:
RET-related disorder. Also called: RET-related disorders; RET-related condition; RET-related disease.
Hereditary cancer-predisposing syndrome. Also called: Neoplastic Syndromes, Hereditary; Tumor predisposition; Hereditary Cancer Syndrome; Hereditary neoplastic syndrome. Identifiers: Orphanet 140162, MedGen C0027672, MeSH D009386, MONDO:0015356.
Multiple endocrine neoplasia, type 2 (MEN2). Identifiers: Orphanet 653, MedGen C4048306, MONDO:0019003. Disease mechanism: gain of function.

gnomAD v4.1: 2 of 1,613,266 alleles (0.00012%); highest among the groups gnomAD compares: Non-Finnish European, 0.00017%; no homozygotes.

Submissions (5):

Labcorp Genetics (formerly Invitae), Labcorp
Classification: Pathogenic for Multiple endocrine neoplasia, type 2. Last evaluated: 2025-09-24. Review status: criteria provided, single submitter. Criteria: Invitae Variant Classification Sherloc (09022015). Collection method: clinical testing. Allele origin: germline.
Comment: This sequence change replaces cysteine, which is neutral and slightly polar, with phenylalanine, which is neutral and non-polar, at codon 609 of the RET protein (p.Cys609Phe). This variant is not present in population databases (gnomAD no frequency). This missense change has been observed in individual(s) with multiple endocrine neoplasia type 2A (MEN2A) (PMID: 18058472, 20516206, 22734615). It has also been observed to segregate with disease in related individuals. ClinVar contains an entry for this variant (Variation ID: 38284). An algorithm developed to predict the effect of missense changes on protein structure and function (PolyPhen-2) suggests that this variant is likely to be disruptive. This variant disrupts the p.Cys609 amino acid residue in RET. Other variant(s) that disrupt this residue have been determined to be pathogenic (PMID: 19472011, 24617864, 24699901, 26678667; internal data). This suggests that this residue is clinically significant, and that variants that disrupt this residue are likely to be disease-causing. For these reasons, this variant has been classified as Pathogenic.

CeGaT Center for Human Genetics Tuebingen
Classification: Pathogenic. Last evaluated: 2025-01-01. Review status: criteria provided, single submitter. Criteria: CeGaT Center For Human Genetics Tuebingen Variant Classification Criteria Version 2. Collection method: clinical testing. Allele origin: germline. Affected: yes. Observed: 1 variant allele.
Comment: RET: PP1:Strong, PM1, PM2, PM5, PS4:Moderate

Blueprint Genetics
Classification: Pathogenic for RET-related disorders. Last evaluated: 2020-03-24. Review status: criteria provided, single submitter. Criteria: ACMG Guidelines, 2015. Collection method: clinical testing. Allele origin: germline. Affected: yes. Observed: 1 variant allele.

Ambry Genetics
Classification: Pathogenic for Hereditary cancer-predisposing syndrome. Last evaluated: 2020-02-13. Review status: criteria provided, single submitter. Criteria: Ambry Variant Classification Scheme 2023. Collection method: clinical testing. Allele origin: germline.
Comment: The p.C609F pathogenic mutation (also known as c.1826G>T), located in coding exon 10 of the RET gene, results from a G to T substitution at nucleotide position 1826. The cysteine at codon 609 is replaced by phenylalanine, an amino acid with highly dissimilar properties. Codon 609 of the RET gene is a known hotspot for MEN2 mutations with well documented phenotype/genotype correlations, and The American Thyroid Association Guidelines Task Force has provided recommendations (Wells SA, Thyroid 2015 Jun; 25(6):567-610). This mutation has been identified in multiple individuals with medullary thyroid carcinoma or a clinical diagnosis of MEN2A (Siegelman M et al. Clin. Chem., 1997 Mar;43:453-7; Kruckeberg KE et al. Clin. Chem., 2004 Mar;50:522-9; Paszko Z et al. Cancer Invest., 2007 Dec;25:742-9; Romei C et al. Eur. J. Endocrinol., 2010 Aug;163:301-8; Frank-Raue K et al. Hum. Mutat., 2011 Jan;32:51-8). In addition, this mutation was found to segregate with disease in two related families with MEN2A (Oriola J et al. Clin. Genet., 2013 Apr;83:384-7). Based on the supporting evidence, this alteration is interpreted as a disease-causing mutation.

ARUP Laboratories, Molecular Genetics and Genomics, ARUP Laboratories
Classification: Pathogenic. Last evaluated: 2018-12-05. Review status: criteria provided, single submitter. Criteria: ARUP Molecular Germline Variant Investigation Process. Collection method: clinical testing. Allele origin: germline.
Comment: The RET c.1826G>T; p.Cys609Phe variant (rs77939446) is reported in the literature in multiple individuals affected with multiple endocrine neoplasia type 2A (MEN2) (Frank-Raue 2011, Oriola 2013, Paszko 2007, Romei 2010, Siegelman 1997). This variant is reported in ClinVar (Variation ID: 38284), and is absent from general population databases (1000 Genomes Project, Exome Variant Server, and Genome Aggregation Database), indicating it is not a common polymorphism. This variant lies within a cysteine rich domain, and pathogenic variants resulting in the loss of a cysteine residue are common in these repeats and are predicted to disrupt protein structure and result in aberrant activation of the RET protein (Amoresano 2005, Chappuis-Flament 1998, Ito 1997). Additionally, other amino acid substitutions at this codon (Arg, Gly, Ser, Trp, Tyr) have been reported in individuals with MEN2 and are considered pathogenic (Frank-Raue 2011, Paszko 2007, Romei 2010, Siegelman 1997). Based on available information, the p.Cys609Phe variant is considered to be pathogenic. References: Amoresano A et al. Direct interactions among Ret, GDNF and GFRalpha1 molecules reveal new insights into the assembly of a functional three-protein complex. Cell Signal. 2005 Jun;17(6):717-27. Chappuis-Flament S et al. Dual effect on the RET receptor of MEN 2 mutations affecting specific extracytoplasmic cysteines. Oncogene. 1998 Dec 3;17(22):2851-61. Frank-Raue K et al. Risk profiles and penetrance estimations in multiple endocrine neoplasia type 2A caused by germline RET mutations located in exon 10. Hum Mutat. 2011 Jan;32(1):51-8. Ito S et al. Biological properties of Ret with cysteine mutations correlate with multiple endocrine neoplasia type 2A, familial medullary thyroid carcinoma, and Hirschsprung's disease phenotype. Cancer Res. 1997 Jul 15;57(14):2870-2. Oriola J et al. Clinical spectrum of MEN2A in a large family caused by the infrequent RET mutation Cys609Phe. Clin Genet. 2013 Apr;83(4):384-7. Paszko Z et al. The occurrence and the type of germline mutations in the RET gene in patients with medullary thyroid carcinoma and their unaffected kindred's from Central Poland. Cancer Invest. 2007 Dec;25(8):742-9. Romei C et al. Multiple endocrine neoplasia type 2 syndromes (MEN 2): results from the ItaMEN network analysis on the prevalence of different genotypes and phenotypes. Eur J Endocrinol. 2010 Aug;163(2):301-8. Siegelman M et al. Rapid, nonradioactive screening for mutations in exons 10, 11, and 16 of the RET protooncogene associated with inherited medullary thyroid carcinoma. Clin Chem. 1997 Mar;43(3):453-7.

Literature cited by the submitters: PubMed 18058472 (cited by Labcorp Genetics (formerly Invitae), Labcorp and Ambry Genetics); PubMed 20516206 (cited by Labcorp Genetics (formerly Invitae), Labcorp and Ambry Genetics); PubMed 22734615 (cited by Labcorp Genetics (formerly Invitae), Labcorp and Ambry Genetics); PubMed 19472011 (cited by Labcorp Genetics (formerly Invitae), Labcorp); PubMed 24617864 (cited by Labcorp Genetics (formerly Invitae), Labcorp); PubMed 24699901 (cited by Labcorp Genetics (formerly Invitae), Labcorp); PubMed 26678667 (cited by Labcorp Genetics (formerly Invitae), Labcorp); PubMed 14718397 (cited by Ambry Genetics); PubMed 20979234 (cited by Ambry Genetics); PubMed 9068588 (cited by Ambry Genetics).

NM_020975.6(RET):c.1826G>T (p.Cys609Phe)

Gene: RET (ret proto-oncogene; plus strand). Cytogenetic location: 10q11.21.
Variant type: single nucleotide variant.
Coding change: c.1826G>T on transcript NM_020975.6 (MANE Select); coding-DNA position 1826, G replaced by T.
Protein change: p.Cys609Phe; replaces cysteine 609 with phenylalanine.
Molecular consequence: missense variant.
Genome position (GRCh38, 1-based): chr10:43,113,622, G>T. VCF-style: chr10-43113622-G-T. GRCh37 (hg19) VCF-style: chr10-43609070-G-T.
Other names: c.1826G>T, p.Cys609Phe (NM_000323.2, NM_001406743.1, NM_001406744.1 and 6 more transcripts); c.1064G>T, p.Cys355Phe (NM_001355216.2); c.1697G>T, p.Cys566Phe (NM_001406761.1, NM_001406762.1, NM_001406764.1 and 1 more transcripts); c.1538G>T, p.Cys513Phe (NM_001406766.1, NM_001406767.1, NM_001406770.1); c.1430G>T, p.Cys477Phe (NM_001406769.1, NM_001406772.1); c.929G>T, p.Cys310Phe (NM_001406781.1, NM_001406782.1, NM_001406787.1 and 2 more transcripts); c.800G>T, p.Cys267Phe (NM_001406783.1, NM_001406786.1); c.836G>T, p.Cys279Phe (NM_001406784.1); and 5 more; short protein forms C355F, C214F, C279F, C367F, C463F, C477F, C126F, C434F.
Identifiers: ClinVar variation 38284 (VCV000038284.32), dbSNP rs77939446, ClinGen allele CA007843.